The following is an entry in ClinVar:

ClinVar aggregate classification (germline): Uncertain significance (1 of 4 stars; one submission).

Allele frequency attached by ClinVar (database versions not stated): gnomAD exomes 0.00001.
gnomAD v4.1: 16 of 1,613,636 alleles (0.00099%); highest among the groups gnomAD compares: Non-Finnish European, 0.0013%; no homozygotes.

Submission:

Labcorp Genetics (formerly Invitae), Labcorp
Classification: Uncertain significance. Last evaluated: 2022-05-27. Review status: criteria provided, single submitter. Criteria: Invitae Variant Classification Sherloc (09022015). Collection method: clinical testing. Allele origin: germline.
Comment: This sequence change replaces lysine, which is basic and polar, with asparagine, which is neutral and polar, at codon 1138 of the TTLL5 protein (p.Lys1138Asn). This variant is not present in population databases (gnomAD no frequency). This variant has not been reported in the literature in individuals affected with TTLL5-related conditions. Algorithms developed to predict the effect of missense changes on protein structure and function (SIFT, PolyPhen-2, Align-GVGD) all suggest that this variant is likely to be tolerated. In summary, the available evidence is currently insufficient to determine the role of this variant in disease. Therefore, it has been classified as a Variant of Uncertain Significance.

NM_015072.5(TTLL5):c.3414G>C (p.Lys1138Asn)

Gene: TTLL5 (tubulin tyrosine ligase like 5; plus strand). Cytogenetic location: 14q24.3.
Variant type: single nucleotide variant.
Coding change: c.3414G>C on transcript NM_015072.5 (MANE Select); coding-DNA position 3414, G replaced by C.
Protein change: p.Lys1138Asn; replaces lysine 1138 with asparagine.
Molecular consequence: missense variant.
Genome position (GRCh38, 1-based): chr14:75,863,754, G>C. VCF-style: chr14-75863754-G-C. GRCh37 (hg19) VCF-style: chr14-76330097-G-C.
Other names: short protein forms K1138N.
Identifiers: ClinVar variation 1958949 (VCV001958949.5), dbSNP rs1055409363, ClinGen allele CA390539721.